The following is an entry in ClinVar:

NM_006231.4(POLE):c.1815C>G (p.Ser605Arg)

Gene: POLE (DNA polymerase epsilon, catalytic subunit; minus strand). Cytogenetic location: 12q24.33.
Variant type: single nucleotide variant.
Coding change: c.1815C>G on transcript NM_006231.4 (MANE Select); coding-DNA position 1815, C replaced by G.
Protein change: p.Ser605Arg; replaces serine 605 with arginine.
Molecular consequence: missense variant.
Genome position (GRCh38, 1-based): chr12:132,668,919, G>C on the plus strand (C>G on the coding strand, the complement: POLE is on the minus strand). VCF-style: chr12-132668919-G-C. GRCh37 (hg19) VCF-style: chr12-133245505-G-C.
Other names: short protein forms S605R.
Identifiers: ClinVar variation 2786621 (VCV002786621.3), dbSNP rs2042862231, ClinGen allele CA387355602.

ClinVar aggregate classification (germline): Uncertain significance (1 of 4 stars; one submission).

Submission:

Labcorp Genetics (formerly Invitae), Labcorp
Classification: Uncertain significance. Last evaluated: 2023-09-06. Review status: criteria provided, single submitter. Criteria: Invitae Variant Classification Sherloc (09022015). Collection method: clinical testing. Allele origin: germline.
Comment: Advanced modeling of protein sequence and biophysical properties (such as structural, functional, and spatial information, amino acid conservation, physicochemical variation, residue mobility, and thermodynamic stability) performed at Invitae indicates that this missense variant is not expected to disrupt POLE protein function. In summary, the available evidence is currently insufficient to determine the role of this variant in disease. Therefore, it has been classified as a Variant of Uncertain Significance. This sequence change replaces serine, which is neutral and polar, with arginine, which is basic and polar, at codon 605 of the POLE protein (p.Ser605Arg). This variant is not present in population databases (gnomAD no frequency). This variant has not been reported in the literature in individuals affected with POLE-related conditions.